The following is an entry in ClinVar:

ClinVar aggregate classification (germline): Likely pathogenic (1 of 4 stars; one submission).

Conditions:
Autosomal dominant Alport syndrome (ATS3A). Also called: ALPORT SYNDROME 3A, AUTOSOMAL DOMINANT; Alport syndrome dominant type; Renal failure and sensorineural hearing loss. Identifiers: Orphanet 63, Orphanet 88918, MedGen C5882663, MONDO:0007086, OMIM 104200.

Submission:

MVZ Medizinische Genetik Mainz
Classification: Likely pathogenic for Autosomal dominant Alport syndrome. Last evaluated: 2025-11-20. Review status: criteria provided, single submitter. Criteria: UK Practice Guidelines For Variant Classification V4 01 2020. Collection method: clinical testing. Allele origin: germline. Inheritance: Autosomal dominant inheritance. Affected: yes. Observed: 1 variant allele.
Comment: ACMG Criteria: PM1_STR,PM2_SUP,PP3

NM_000091.5(COL4A3):c.451G>C (p.Gly151Arg)

Genes: COL4A3 (collagen type IV alpha 3 chain; plus strand), MFF-DT (MFF divergent transcript; minus strand). Cytogenetic location: 2q36.3.
Variant type: single nucleotide variant.
Coding change: c.451G>C on transcript NM_000091.5 (MANE Select); coding-DNA position 451, G replaced by C.
Protein change: p.Gly151Arg; replaces glycine 151 with arginine.
Molecular consequence: missense variant.
Genome position (GRCh38, 1-based): chr2:227,247,567, G>C. VCF-style: chr2-227247567-G-C. GRCh37 (hg19) VCF-style: chr2-228112283-G-C.
Other names: short protein forms G151R.
Identifiers: ClinVar variation 4540418 (VCV004540418.1).